The following is an entry in ClinVar:

ClinVar aggregate classification (germline): Uncertain significance. Review status: criteria provided, multiple submitters, no conflicts (2 of 4 stars). 2 submissions from 2 submitters: Uncertain significance (2). Last evaluated 2026-03-29.

Conditions:
CHARGE syndrome (CHARGE). Also called: Hittner Hirsch Kreh syndrome; CHARGE ASSOCIATION--COLOBOMA, HEART ANOMALY, CHOANAL ATRESIA, RETARDATION, GENITAL AND EAR ANOMALIES; Coloboma, heart anomaly, choanal atresia, retardation, genital and ear anomalies; CHARGE association; Hall-Hittner syndrome. Identifiers: Orphanet 138, MedGen C0265354, MONDO:0008965.
Hypogonadotropic hypogonadism 5 with or without anosmia (KAL5). Also called: CHD7-Related GnRH Deficiency (Kallmann Syndrome 5); HYPOGONADOTROPIC HYPOGONADISM 5 WITH ANOSMIA; HYPOGONADOTROPHIC HYPOGONADISM 5 WITHOUT ANOSMIA. Identifiers: Orphanet 478, MedGen C3552553, MONDO:0012880, OMIM 612370. Disease mechanism: loss of function.

gnomAD v4.1: 1 of 1,613,746 alleles (0.000062%); highest among the groups gnomAD compares: African/African-American, 0.0013%; no homozygotes.

Submissions (2):

GeneDx
Classification: Uncertain significance. Last evaluated: 2026-03-29. Review status: criteria provided, single submitter. Criteria: GeneDx Variant Classification Process June 2021. Collection method: clinical testing. Allele origin: germline.
Comment: Not observed at significant frequency in large population cohorts (gnomAD); In silico analysis supports that this missense variant has a deleterious effect on protein structure/function; Has not been previously published as pathogenic or benign to our knowledge

Fulgent Genetics
Classification: Uncertain significance for CHD7-related CHARGE syndrome; Hypogonadotropic hypogonadism 5 with or without anosmia. Last evaluated: 2024-01-30. Review status: criteria provided, single submitter. Criteria: ACMG Guidelines, 2015. Collection method: clinical testing. Allele origin: germline.

NM_017780.4(CHD7):c.2275T>C (p.Tyr759His)

Gene: CHD7 (chromodomain helicase DNA binding protein 7; plus strand). Cytogenetic location: 8q12.2.
Variant type: single nucleotide variant.
Coding change: c.2275T>C on transcript NM_017780.4 (MANE Select); coding-DNA position 2275, T replaced by C.
Protein change: p.Tyr759His; replaces tyrosine 759 with histidine.
Molecular consequence: missense variant. On other transcripts: intron variant (1).
Genome position (GRCh38, 1-based): chr8:60,800,424, T>C. VCF-style: chr8-60800424-T-C. GRCh37 (hg19) VCF-style: chr8-61712983-T-C.
Other names: c.1716+19374T>C (NM_001316690.1); short protein forms Y759H.
Identifiers: ClinVar variation 3359342 (VCV003359342.3).